The following is an entry in ClinVar:

ClinVar aggregate classification (germline): Uncertain significance. Review status: criteria provided, multiple submitters, no conflicts (2 of 4 stars). 2 submissions from 2 submitters: Uncertain significance (2). Last evaluated 2025-08-27.

Conditions:
Hereditary cancer-predisposing syndrome. Also called: Tumor predisposition; Hereditary neoplastic syndrome; Neoplastic Syndromes, Hereditary; Hereditary Cancer Syndrome. Identifiers: Orphanet 140162, MedGen C0027672, MeSH D009386, MONDO:0015356.

Allele frequency attached by ClinVar (database versions not stated): gnomAD exomes below 0.00001; ExAC 0.00001; gnomAD 0.00001; TOPMed 0.00001; ESP Exome Variant Server 0.00008.
gnomAD v4.1: 4 of 1,613,304 alleles (0.00025%); highest among the groups gnomAD compares: African/African-American, 0.0027%; no homozygotes.

Submissions (2):

Labcorp Genetics (formerly Invitae), Labcorp
Classification: Uncertain significance. Last evaluated: 2025-08-27. Review status: criteria provided, single submitter. Criteria: Invitae Variant Classification Sherloc (09022015). Collection method: clinical testing. Allele origin: germline.
Comment: This sequence change replaces glutamic acid, which is acidic and polar, with glycine, which is neutral and non-polar, at codon 787 of the MSH3 protein (p.Glu787Gly). This variant is present in population databases (rs139119736, gnomAD 0.007%). This variant has not been reported in the literature in individuals affected with MSH3-related conditions. ClinVar contains an entry for this variant (Variation ID: 845230). An algorithm developed to predict the effect of missense changes on protein structure and function (PolyPhen-2) suggests that this variant is likely to be disruptive. RNA analysis performed to evaluate the impact of this missense change on mRNA splicing indicates it does not significantly alter splicing (internal data). In summary, the available evidence is currently insufficient to determine the role of this variant in disease. Therefore, it has been classified as a Variant of Uncertain Significance.

Ambry Genetics
Classification: Uncertain significance for Hereditary cancer-predisposing syndrome. Last evaluated: 2025-06-18. Review status: criteria provided, single submitter. Criteria: Ambry Variant Classification Scheme 2023. Collection method: clinical testing. Allele origin: germline.

NM_002439.5(MSH3):c.2360A>G (p.Glu787Gly)

Gene: MSH3 (mutS homolog 3; plus strand). Cytogenetic location: 5q14.1.
Variant type: single nucleotide variant.
Coding change: c.2360A>G on transcript NM_002439.5 (MANE Select); coding-DNA position 2360, A replaced by G.
Protein change: p.Glu787Gly; replaces glutamic acid 787 with glycine.
Molecular consequence: missense variant.
Genome position (GRCh38, 1-based): chr5:80,778,761, A>G. VCF-style: chr5-80778761-A-G. GRCh37 (hg19) VCF-style: chr5-80074580-A-G.
Other names: short protein forms E787G.
Identifiers: ClinVar variation 845230 (VCV000845230.12), dbSNP rs139119736, ClinGen allele CA3328232.
Genomic context (GRCh38, chr5:80,778,761, plus strand): 5'-GTTCTTTCCCCTCTTCTAGCACAAAAGCTGTGAGCCGCTTTCACTCTCCTTTTATTGTAG[A>G]AAATTACAGACATCTGAATCAGCTCCGGGAGCAGCTAGTCCTTGACTGCAGTGCTGAATG-3'
Protein context (NP_002430.3, residues 777-797): VSRFHSPFIV[Glu787Gly]NYRHLNQLRE